The following is an entry in ClinVar:

NM_006793.5(PRDX3):c.717+1G>A

Gene: PRDX3 (peroxiredoxin 3; minus strand). Cytogenetic location: 10q26.11.
Variant type: single nucleotide variant.
Coding change: c.717+1G>A on transcript NM_006793.5 (MANE Select); the canonical splice donor site of the intron after coding-DNA position 717, G replaced by A.
Molecular consequence: splice donor variant. On other transcripts: intron variant (1).
Genome position (GRCh38, 1-based): chr10:119,169,176, C>T on the plus strand (G>A on the coding strand, the complement: PRDX3 is on the minus strand). VCF-style: chr10-119169176-C-T. GRCh37 (hg19) VCF-style: chr10-120928688-C-T.
Other names: c.552-643G>A (NM_001302272.2).
Identifiers: ClinVar variation 3025412 (VCV003025412.22), dbSNP rs2493964760, ClinGen allele CA378284231.

ClinVar aggregate classification (germline): Likely pathogenic (1 of 4 stars; one submission).

Allele frequency attached by ClinVar (database versions not stated): gnomAD exomes below 0.00001.
gnomAD v4.1: 6 of 1,612,008 alleles (0.00037%); highest among the groups gnomAD compares: Non-Finnish European, 0.00051%; no homozygotes.

Submission:

CeGaT Center for Human Genetics Tuebingen
Classification: Likely pathogenic. Last evaluated: 2024-02-01. Review status: criteria provided, single submitter. Criteria: CeGaT Center For Human Genetics Tuebingen Variant Classification Criteria Version 2. Collection method: clinical testing. Allele origin: germline. Affected: yes. Observed: 1 variant allele.
Comment: PRDX3: PVS1:Strong, PM2